The following is an entry in ClinVar:

ClinVar aggregate classification (germline): Uncertain significance (1 of 4 stars; one submission).

gnomAD v4.1: 1 of 1,205,484 alleles (0.000083%); highest among the groups gnomAD compares: African/African-American, 0.0018%; no homozygotes.

Submission:

GeneDx
Classification: Uncertain significance. Last evaluated: 2024-05-28. Review status: criteria provided, single submitter. Criteria: GeneDx Variant Classification Process June 2021. Collection method: clinical testing. Allele origin: germline. Affected: yes.
Comment: Not observed at significant frequency in large population cohorts (gnomAD); In silico analysis supports that this missense variant has a deleterious effect on protein structure/function; Has not been previously published as pathogenic or benign to our knowledge

NM_001367721.1(CASK):c.2696T>C (p.Ile899Thr)

Genes: CASK (calcium/calmodulin dependent serine protein kinase; minus strand), CASK-AS1 (CASK antisense RNA 1; plus strand). Cytogenetic location: Xp11.4.
Variant type: single nucleotide variant.
Coding change: c.2696T>C on transcript NM_001367721.1 (MANE Select); coding-DNA position 2696, T replaced by C.
Protein change: p.Ile899Thr; replaces isoleucine 899 with threonine.
Molecular consequence: missense variant.
Genome position (GRCh38, 1-based): chrX:41,520,505, A>G on the plus strand (T>C on the coding strand, the complement: CASK is on the minus strand). VCF-style: chrX-41520505-A-G. GRCh37 (hg19) VCF-style: chrX-41379758-A-G.
Other names: c.2612T>C, p.Ile871Thr (NM_001126054.3); c.2609T>C, p.Ile870Thr (NM_001126055.3); c.2678T>C, p.Ile893Thr (NM_001410745.1); c.2681T>C, p.Ile894Thr (NM_003688.4); short protein forms I870T, I871T, I893T, I894T, I899T.
Identifiers: ClinVar variation 3383674 (VCV003383674.1).
Genomic context (GRCh38, chrX:41,520,505, plus strand): 5'-CACTGTGGGGCTGTGCACACGAGCTCAACAGCTTCCTCCAGATGTCTGATTGTCTCATCA[A>G]TTTCATTGTTGATAATTGTGAGATCGAAGTAGTGTGCATATGTTCTCTGTAAGATGTCAG-3'
Protein context (NP_001354650.1, residues 889-909): YFDLTIINNE[Ile899Thr]DETIRHLEEA